The following is an entry in ClinVar:

ClinVar aggregate classification (germline): Benign. Review status: criteria provided, multiple submitters, no conflicts (2 of 4 stars). 2 submissions from 2 submitters: Benign (2). Last evaluated 2018-06-18.

Allele frequency attached by ClinVar (database versions not stated): gnomAD exomes 0.33333; 1000 Genomes Project 0.35903; TOPMed 0.36563; 1000 Genomes Project 30x 0.35962.

Submissions (2):

GeneDx
Classification: Benign. Last evaluated: 2018-06-18. Review status: criteria provided, single submitter. Criteria: GeneDx Variant Classification (06012015). Collection method: clinical testing. Allele origin: germline. Affected: yes.
Comment: This variant is considered likely benign or benign based on one or more of the following criteria: it is a conservative change, it occurs at a poorly conserved position in the protein, it is predicted to be benign by multiple in silico algorithms, and/or has population frequency not consistent with disease.

Breakthrough Genomics
Classification: Benign. Review status: criteria provided, single submitter. Criteria: ACMG Guidelines, 2015. Collection method: not provided. Allele origin: germline. Inheritance: Autosomal dominant inheritance. Affected: yes.

NM_001128849.1(SMARCA4):c.-322G>T

Genes: SMARCA4 (SWI/SNF related BAF chromatin remodeling complex subunit ATPase 4; plus strand), LOC130063547 (ATAC-STARR-seq lymphoblastoid silent region 10097; plus strand). Cytogenetic location: 19p13.2.
Variant type: single nucleotide variant.
Coding change: c.-322G>T on transcript NM_001128849.1; 322 bases upstream of the start codon, G replaced by T.
Genome position (GRCh38, 1-based): chr19:10,960,884, G>T. VCF-style: chr19-10960884-G-T. GRCh37 (hg19) VCF-style: chr19-11071560-G-T.
Identifiers: ClinVar variation 679713 (VCV000679713.4), dbSNP rs4804551, ClinGen allele CA14670407.